The following is an entry in ClinVar:

ClinVar aggregate classification (germline): Benign/Likely benign. Review status: criteria provided, multiple submitters, no conflicts (2 of 4 stars). 5 submissions from 5 submitters: Benign (1); Likely benign (4). Last evaluated 2026-01-14.

Conditions:
COL12A1-related disorder. Also called: COL12A1-related condition.
Ullrich congenital muscular dystrophy 2 (UCMD2). Identifiers: Orphanet 75840, MedGen C4225314, MONDO:0014654, OMIM 616470.
Bethlem myopathy 2 (BTHLM2). Identifiers: Orphanet 536516, Orphanet 610, MedGen C4225313, MONDO:0034022, OMIM 616471.

Allele frequency attached by ClinVar (database versions not stated): ESP Exome Variant Server 0.00170; gnomAD 0.00173 and 0.00156; TOPMed 0.00182; gnomAD exomes 0.00012 and 0.00037; ExAC 0.00047; 1000 Genomes Project 0.00120; 1000 Genomes Project 30x 0.00125.
gnomAD v4.1: 416 of 1,610,822 alleles (0.026%); highest among the groups gnomAD compares: African/African-American, 0.51%; 1 homozygote.

Submissions (5):

Labcorp Genetics (formerly Invitae), Labcorp
Classification: Benign for Bethlem myopathy 2; Ullrich congenital muscular dystrophy 2. Last evaluated: 2026-01-14. Review status: criteria provided, single submitter. Criteria: Invitae Variant Classification Sherloc (09022015). Collection method: clinical testing. Allele origin: germline.

PreventionGenetics, part of Exact Sciences
Classification: Likely benign for COL12A1-related condition. Last evaluated: 2025-08-06. Review status: criteria provided, single submitter. Criteria: ACMG Guidelines, 2015. Collection method: clinical testing. Allele origin: germline.
Comment: This variant is classified as likely benign based on ACMG/AMP sequence variant interpretation guidelines (Richards et al. 2015 PMID: 25741868, with internal and published modifications).

Mayo Clinic Laboratories, Mayo Clinic
Classification: Likely benign. Last evaluated: 2025-06-12. Review status: criteria provided, single submitter. Criteria: ACMG Guidelines, 2015. Collection method: clinical testing. Allele origin: germline. Observed: 5 variant alleles.
Comment: BS1, BP4, BP7

Blueprint Genetics
Classification: Likely benign. Last evaluated: 2024-02-13. Review status: criteria provided, single submitter. Criteria: ACMG Guidelines, 2015. Collection method: clinical testing. Allele origin: germline.

GeneDx
Classification: Likely benign. Last evaluated: 2021-03-23. Review status: criteria provided, single submitter. Criteria: GeneDx Variant Classification Process June 2021. Collection method: clinical testing. Allele origin: germline. Affected: yes.

NM_004370.6(COL12A1):c.8970T>C (p.Gly2990=)

Gene: COL12A1 (collagen type XII alpha 1 chain; minus strand). Cytogenetic location: 6q13.
Variant type: single nucleotide variant.
Coding change: c.8970T>C on transcript NM_004370.6 (MANE Select); coding-DNA position 8970, T replaced by C.
Protein change: p.Gly2990=; no amino-acid change (glycine 2990 retained).
Molecular consequence: synonymous variant.
Genome position (GRCh38, 1-based): chr6:75,089,146, A>G on the plus strand (T>C on the coding strand, the complement: COL12A1 is on the minus strand). VCF-style: chr6-75089146-A-G. GRCh37 (hg19) VCF-style: chr6-75798862-A-G.
Other names: p.Gly2990=; c.5478T>C, p.Gly1826= (NM_080645.3).
Identifiers: ClinVar variation 542509 (VCV000542509.17), dbSNP rs190501064, ClinGen allele CA3892061.
Genomic context (GRCh38, chr6:75,089,146, plus strand): 5'-TAAAATACTAGCAAACCTACCTGGGGGGCCAGGCAGCCCCCGAGGTCCTGAAGATCCAGT[A>G]CCCCTTTCACCTTTCTCTCCTGGCAAACCTAAGGAGGGAGAAAAAGAGAAAGCACAGGGG-3'
Protein context (NP_004361.3, residues 2980-3000): RGLPGEKGER[Gly2990=]TGSSGPRGLP